The following is an entry in ClinVar:

ClinVar aggregate classification (germline): Pathogenic (1 of 4 stars; one submission).

Conditions:
Congenital sideroblastic anemia-B-cell immunodeficiency-periodic fever-developmental delay syndrome. Also called: Sideroblastic anemia with B-cell immunodeficiency, periodic fevers, and developmental delay. Identifiers: Orphanet 369861, MedGen C4015172, MONDO:0014487, OMIM 616084.

Submission:

Labcorp Genetics (formerly Invitae), Labcorp
Classification: Pathogenic for Congenital sideroblastic anemia-B-cell immunodeficiency-periodic fever-developmental delay syndrome. Last evaluated: 2024-06-26. Review status: criteria provided, single submitter. Criteria: Invitae Variant Classification Sherloc (09022015). Collection method: clinical testing. Allele origin: germline.
Comment: This sequence change creates a premature translational stop signal (p.Gly172Valfs*5) in the TRNT1 gene. It is expected to result in an absent or disrupted protein product. Loss-of-function variants in TRNT1 are known to be pathogenic (PMID: 25193871). This variant is not present in population databases (gnomAD no frequency). This variant has not been reported in the literature in individuals affected with TRNT1-related conditions. Algorithms developed to predict the effect of sequence changes on RNA splicing suggest that this variant may disrupt the consensus splice site. For these reasons, this variant has been classified as Pathogenic.

Literature cited by the submitters: PubMed 25193871.

NM_182916.3(TRNT1):c.515del (p.Gly172fs)

Gene: TRNT1 (tRNA nucleotidyl transferase 1; plus strand). Cytogenetic location: 3p26.2.
Variant type: Deletion.
Coding change: c.515del on transcript NM_182916.3 (MANE Select); coding-DNA position 515, one base deleted (G; older notation c.515delG).
Protein change: p.Gly172fs; shifts the reading frame from glycine 172.
Molecular consequence: frameshift variant. On other transcripts: non-coding transcript variant (8).
Genome position (GRCh38, 1-based): chr3:3,144,617, G deleted; the last of 2 consecutive G bases (chr3:3,144,616-3,144,617); deleting either gives the same sequence. VCF-style (leftmost placement, unchanged base first): chr3-3144615-TG-T. GRCh37 (hg19) VCF-style: chr3-3186299-TG-T.
Other names: c.515del, p.Gly172fs (NM_001302946.2, NM_001367321.1, NM_001367322.1 and 1 more transcripts); short protein forms G172fs.
Identifiers: ClinVar variation 3658029 (VCV003658029.2).